The following is an entry in ClinVar:

NM_014363.6(SACS):c.3613A>G (p.Ile1205Val)

Gene: SACS (sacsin molecular chaperone; minus strand). Cytogenetic location: 13q12.12.
Variant type: single nucleotide variant.
Coding change: c.3613A>G on transcript NM_014363.6 (MANE Select); coding-DNA position 3613, A replaced by G.
Protein change: p.Ile1205Val; replaces isoleucine 1205 with valine.
Molecular consequence: missense variant.
Genome position (GRCh38, 1-based): chr13:23,340,263, T>C on the plus strand (A>G on the coding strand, the complement: SACS is on the minus strand). VCF-style: chr13-23340263-T-C. GRCh37 (hg19) VCF-style: chr13-23914402-T-C.
Other names: c.3172A>G, p.Ile1058Val (NM_001278055.2); short protein forms I1058V, I1205V.
Identifiers: ClinVar variation 3239205 (VCV003239205.19), dbSNP rs764034262.

ClinVar aggregate classification (germline): Uncertain significance (1 of 4 stars; one submission).

Allele frequency attached by ClinVar (database versions not stated): gnomAD 0.00001; gnomAD exomes 0.00001; ExAC 0.00003.
gnomAD v4.1: 9 of 1,612,680 alleles (0.00056%); highest among the groups gnomAD compares: South Asian, 0.0088%; no homozygotes.

Submission:

CeGaT Center for Human Genetics Tuebingen
Classification: Uncertain significance. Last evaluated: 2024-05-01. Review status: criteria provided, single submitter. Criteria: CeGaT Center For Human Genetics Tuebingen Variant Classification Criteria Version 2. Collection method: clinical testing. Allele origin: germline. Affected: yes. Observed: 1 variant allele.
Comment: SACS: PM2, BP4